The following is an entry in ClinVar:

NM_152383.5(DIS3L2):c.28C>T (p.Leu10Phe)

Gene: DIS3L2 (DIS3 like 3'-5' exoribonuclease 2; plus strand). Cytogenetic location: 2q37.1.
Variant type: single nucleotide variant.
Coding change: c.28C>T on transcript NM_152383.5 (MANE Select); coding-DNA position 28, C replaced by T.
Protein change: p.Leu10Phe; replaces leucine 10 with phenylalanine.
Molecular consequence: missense variant. On other transcripts: non-coding transcript variant (2).
Genome position (GRCh38, 1-based): chr2:232,014,955, C>T. VCF-style: chr2-232014955-C-T. GRCh37 (hg19) VCF-style: chr2-232879665-C-T.
Other names: c.28C>T, p.Leu10Phe (NM_001257281.2, NM_001257282.2); short protein forms L10F.
Identifiers: ClinVar variation 1007495 (VCV001007495.9), dbSNP rs574055101, ClinGen allele CA67499186.

ClinVar aggregate classification (germline): Uncertain significance (1 of 4 stars; one submission).

Conditions:
Perlman syndrome (PRLMNS). Identifiers: Orphanet 2849, MedGen C0796113, MONDO:0009965, OMIM 267000.

Allele frequency attached by ClinVar (database versions not stated): gnomAD 0.00001; 1000 Genomes Project 0.00020; 1000 Genomes Project 30x 0.00031.
gnomAD v4.1: 1 of 1,613,954 alleles (0.000062%); highest among the groups gnomAD compares: Non-Finnish European, 0.000085%; no homozygotes.

Submission:

Labcorp Genetics (formerly Invitae), Labcorp
Classification: Uncertain significance for Perlman syndrome. Last evaluated: 2023-10-03. Review status: criteria provided, single submitter. Criteria: Invitae Variant Classification Sherloc (09022015). Collection method: clinical testing. Allele origin: germline.
Comment: This sequence change replaces leucine, which is neutral and non-polar, with phenylalanine, which is neutral and non-polar, at codon 10 of the DIS3L2 protein (p.Leu10Phe). This variant is not present in population databases (gnomAD no frequency). This variant has not been reported in the literature in individuals affected with DIS3L2-related conditions. ClinVar contains an entry for this variant (Variation ID: 1007495). Algorithms developed to predict the effect of missense changes on protein structure and function output the following: SIFT: "Not Available"; PolyPhen-2: "Benign"; Align-GVGD: "Not Available". The phenylalanine amino acid residue is found in multiple mammalian species, which suggests that this missense change does not adversely affect protein function. In summary, the available evidence is currently insufficient to determine the role of this variant in disease. Therefore, it has been classified as a Variant of Uncertain Significance.